The following is an entry in ClinVar:

ClinVar aggregate classification (germline): Likely benign (1 of 4 stars; one submission).

gnomAD v4.1: 26 of 1,608,300 alleles (0.0016%); highest among the groups gnomAD compares: Admixed American, 0.015%; no homozygotes.

Submission:

CeGaT Center for Human Genetics Tuebingen
Classification: Likely benign. Last evaluated: 2026-09-01. Review status: criteria provided, single submitter. Criteria: CeGaT Center For Human Genetics Tuebingen Variant Classification Criteria Version 2. Collection method: clinical testing. Allele origin: germline. Affected: yes. Observed: 1 variant allele.
Comment: DLG4: BP4, BP7

NM_001321075.3(DLG4):c.546C>T (p.His182=)

Gene: DLG4 (discs large MAGUK scaffold protein 4; minus strand). Cytogenetic location: 17p13.1.
Variant type: single nucleotide variant.
Coding change: c.546C>T on transcript NM_001321075.3 (MANE Select); coding-DNA position 546, C replaced by T.
Protein change: p.His182=; no amino-acid change (histidine 182 retained).
Molecular consequence: synonymous variant. On other transcripts: non-coding transcript variant (1).
Genome position (GRCh38, 1-based): chr17:7,203,289, G>A on the plus strand (C>T on the coding strand, the complement: DLG4 is on the minus strand). VCF-style: chr17-7203289-G-A. GRCh37 (hg19) VCF-style: chr17-7106608-G-A.
Other names: c.537C>T, p.His179= (NM_001128827.4); c.666C>T, p.His222= (NM_001321074.1); c.366C>T, p.His122= (NM_001321076.3, NM_001321077.3); c.675C>T, p.His225= (NM_001365.5); c.465C>T, p.His155= (NM_001369566.3).
Identifiers: ClinVar variation 5041008 (VCV005041008.1).
Genomic context (GRCh38, chr17:7,203,289, plus strand): 5'-CTTGTGGGCAGCACCCCCTTCGATGATCTTTGTTACATAGATGCTATTATCTCCTGGGAT[G>A]TGCTGGTTCCCTACGCCCCCTGCGATGCTGAAGCCAAGACCTGGATGGAGGGGAGGCCAG-3'
Protein context (NP_001308004.1, residues 172-192): FSIAGGVGNQ[His182=]IPGDNSIYVT